The following is an entry in ClinVar:

ClinVar aggregate classification (germline): Likely pathogenic. Review status: criteria provided, multiple submitters, no conflicts (2 of 4 stars). 2 submissions from 2 submitters: Likely pathogenic (2). Last evaluated 2025-07-31.

Submissions (2):

GeneDx
Classification: Likely pathogenic. Last evaluated: 2025-07-31. Review status: criteria provided, single submitter. Criteria: GeneDx Variant Classification Process June 2021. Collection method: clinical testing. Allele origin: germline. Affected: yes.
Comment: Published functional studies demonstrate a damaging effect (PMID: 23551977, 11588040); Not observed at significant frequency in large population cohorts (gnomAD); In silico analysis supports that this missense variant has a deleterious effect on protein structure/function; Also known as GPIIIA C560R; This variant is associated with the following publications: (PMID: 25806962, 11588040, 23551977)

Labcorp Genetics (formerly Invitae), Labcorp
Classification: Likely pathogenic. Last evaluated: 2024-01-29. Review status: criteria provided, single submitter. Criteria: Invitae Variant Classification Sherloc (09022015). Collection method: clinical testing. Allele origin: germline.
Comment: This sequence change replaces cysteine, which is neutral and slightly polar, with arginine, which is basic and polar, at codon 586 of the ITGB3 protein (p.Cys586Arg). This variant is not present in population databases (gnomAD no frequency). This missense change has been observed in individual(s) with Glanzmann thrombasthenia (PMID: 11588040). This variant is also known as p.Cys560Arg. Advanced modeling of protein sequence and biophysical properties (such as structural, functional, and spatial information, amino acid conservation, physicochemical variation, residue mobility, and thermodynamic stability) performed at Invitae indicates that this missense variant is expected to disrupt ITGB3 protein function with a positive predictive value of 80%. Experimental studies have shown that this missense change affects ITGB3 function (PMID: 11588040, 23551977, 25806962). This variant disrupts the p.Cys586 amino acid residue in ITGB3. Other variant(s) that disrupt this residue have been observed in individuals with ITGB3-related conditions (PMID: 9790984), which suggests that this may be a clinically significant amino acid residue. In summary, the currently available evidence indicates that the variant is pathogenic, but additional data are needed to prove that conclusively. Therefore, this variant has been classified as Likely Pathogenic.

Literature cited by the submitters: PubMed 11588040 (cited by Labcorp Genetics (formerly Invitae), Labcorp); PubMed 23551977 (cited by Labcorp Genetics (formerly Invitae), Labcorp); PubMed 25806962 (cited by Labcorp Genetics (formerly Invitae), Labcorp); PubMed 9790984 (cited by Labcorp Genetics (formerly Invitae), Labcorp).

NM_000212.3(ITGB3):c.1756T>C (p.Cys586Arg)

Gene: ITGB3 (integrin subunit beta 3; plus strand). Cytogenetic location: 17q21.32.
Variant type: single nucleotide variant.
Coding change: c.1756T>C on transcript NM_000212.3 (MANE Select); coding-DNA position 1756, T replaced by C.
Protein change: p.Cys586Arg; replaces cysteine 586 with arginine.
Molecular consequence: missense variant.
Genome position (GRCh38, 1-based): chr17:47,299,373, T>C. VCF-style: chr17-47299373-T-C. GRCh37 (hg19) VCF-style: chr17-45376739-T-C.
Other names: short protein forms C586R.
Identifiers: ClinVar variation 2736610 (VCV002736610.4), dbSNP rs2547621029, ClinGen allele CA400032477.